The following is an entry in ClinVar:

ClinVar aggregate classification (germline): Pathogenic (1 of 4 stars; one submission).

Conditions:
Hereditary cancer-predisposing syndrome. Also called: Neoplastic Syndromes, Hereditary; Tumor predisposition; Hereditary Cancer Syndrome; Hereditary neoplastic syndrome. Identifiers: Orphanet 140162, MedGen C0027672, MeSH D009386, MONDO:0015356.

Submission:

Ambry Genetics
Classification: Pathogenic for Hereditary cancer-predisposing syndrome. Last evaluated: 2020-02-26. Review status: criteria provided, single submitter. Criteria: Ambry Variant Classification Scheme 2023. Collection method: clinical testing. Allele origin: germline.
Comment: The c.2174_2256dup83 pathogenic mutation, located in coding exon 9 of the BRCA1 gene, results from a duplication of 83 nucleotides from positions 2174 to 2256, causing a translational frameshift with a predicted alternate stop codon (p.S753Afs*11). This alteration is expected to result in loss of function by premature protein truncation or nonsense-mediated mRNA decay. As such, this alteration is interpreted as a disease-causing mutation.

NM_007294.4(BRCA1):c.2174_2256dup (p.Ser753delinsAlaPheGlnGluLysLysLysLysArgAsnTer)

Gene: BRCA1 (BRCA1 DNA repair associated; minus strand). Cytogenetic location: 17q21.31.
Variant type: Duplication.
Coding change: c.2174_2256dup on transcript NM_007294.4 (MANE Select); coding-DNA positions 2174 to 2256, 83 bases duplicated.
Protein change: p.Ser753delinsAlaPheGlnGluLysLysLysLysArgAsnTer.
Molecular consequence: nonsense. On other transcripts: frameshift variant (1), intron variant (137).
Genome position (GRCh38, 1-based): chr17:43,093,275-43,093,357, 83 bases duplicated. GRCh37 (hg19): chr17:41,245,294-41,245,376.
Other names: c.2174_2256dup (NM_007294.3); c.2171_2253dup, p.Ser752delinsAlaPheGlnGluLysLysLysLysArgAsnTer (NM_001407633.1, NM_001407634.1, NM_001407635.1 and 22 more transcripts); c.2174_2256dup, p.Ser753delinsAlaPheGlnGluLysLysLysLysArgAsnTer (NM_001407639.1, NM_001407640.1, NM_001407641.1 and 30 more transcripts); c.2165_2247dup, p.Ser750delinsAlaPheGlnGluLysLysLysLysArgAsnTer (NM_001407646.1, NM_001407647.1); c.2051_2133dup, p.Ser712delinsAlaPheGlnGluLysLysLysLysArgAsnTer (NM_001407648.1, NM_001407664.1, NM_001407665.1 and 19 more transcripts); c.2048_2130dup, p.Ser711delinsAlaPheGlnGluLysLysLysLysArgAsnTer (NM_001407649.1, NM_001407670.1, NM_001407671.1 and 11 more transcripts); c.2096_2178dup, p.Ser727delinsAlaPheGlnGluLysLysLysLysArgAsnTer (NM_001407653.1, NM_001407654.1, NM_001407655.1 and 4 more transcripts); c.2093_2175dup, p.Ser726delinsAlaPheGlnGluLysLysLysLysArgAsnTer (NM_001407659.1, NM_001407660.1, NM_001407661.1 and 1 more transcripts); and 42 more.
Identifiers: ClinVar variation 1787143 (VCV001787143.2), dbSNP rs2552190906, ClinGen allele CA2580094061.